The following is an entry in ClinVar:

NM_145290.4(ADGRA3):c.32C>T (p.Ala11Val)

Gene: ADGRA3 (adhesion G protein-coupled receptor A3; minus strand). Cytogenetic location: 4p15.2.
Variant type: single nucleotide variant.
Coding change: c.32C>T on transcript NM_145290.4 (MANE Select); coding-DNA position 32, C replaced by T.
Protein change: p.Ala11Val; replaces alanine 11 with valine.
Molecular consequence: missense variant.
Genome position (GRCh38, 1-based): chr4:22,515,753, G>A on the plus strand (C>T on the coding strand, the complement: ADGRA3 is on the minus strand). VCF-style: chr4-22515753-G-A. GRCh37 (hg19) VCF-style: chr4-22517376-G-A.
Other names: short protein forms A11V.
Identifiers: ClinVar variation 2108234 (VCV002108234.4), dbSNP rs1336498787, ClinGen allele CA356507978.

ClinVar aggregate classification (germline): Uncertain significance (1 of 4 stars; one submission).

Submission:

Labcorp Genetics (formerly Invitae), Labcorp
Classification: Uncertain significance. Last evaluated: 2022-06-09. Review status: criteria provided, single submitter. Criteria: Invitae Variant Classification Sherloc (09022015). Collection method: clinical testing. Allele origin: germline.
Comment: This variant has not been reported in the literature in individuals affected with ADGRA3-related conditions. In summary, the available evidence is currently insufficient to determine the role of this variant in disease. Therefore, it has been classified as a Variant of Uncertain Significance. Algorithms developed to predict the effect of missense changes on protein structure and function output the following: SIFT: "Tolerated"; PolyPhen-2: "Not Available"; Align-GVGD: "Class C0". The valine amino acid residue is found in multiple mammalian species, which suggests that this missense change does not adversely affect protein function. The frequency data for this variant in the population databases is considered unreliable, as metrics indicate poor data quality at this position in the gnomAD database. This sequence change replaces alanine, which is neutral and non-polar, with valine, which is neutral and non-polar, at codon 11 of the ADGRA3 protein (p.Ala11Val).